The following is an entry in ClinVar:

NM_006904.7(PRKDC):c.6793C>A (p.Pro2265Thr)

Gene: PRKDC (protein kinase, DNA-activated, catalytic subunit; minus strand). Cytogenetic location: 8q11.21.
Variant type: single nucleotide variant.
Coding change: c.6793C>A on transcript NM_006904.7 (MANE Select); coding-DNA position 6793, C replaced by A.
Protein change: p.Pro2265Thr; replaces proline 2265 with threonine.
Molecular consequence: missense variant.
Genome position (GRCh38, 1-based): chr8:47,854,183, G>T on the plus strand (C>A on the coding strand, the complement: PRKDC is on the minus strand). VCF-style: chr8-47854183-G-T. GRCh37 (hg19) VCF-style: chr8-48766744-G-T.
Other names: c.6793C>A, p.Pro2265Thr (NM_001081640.2); short protein forms P2265T.
Identifiers: ClinVar variation 3225897 (VCV003225897.1), dbSNP rs2551869273, ClinGen allele CA371158595.

ClinVar aggregate classification (germline): Uncertain significance (1 of 4 stars; one submission).

Submission:

Ambry Genetics
Classification: Uncertain significance. Last evaluated: 2023-12-25. Review status: criteria provided, single submitter. Criteria: Ambry Variant Classification Scheme 2023. Collection method: clinical testing. Allele origin: germline.
Comment: The p.P2265T variant (also known as c.6793C>A), located in coding exon 51 of the PRKDC gene, results from a C to A substitution at nucleotide position 6793. The proline at codon 2265 is replaced by threonine, an amino acid with highly similar properties. This amino acid position is conserved. In addition, the in silico prediction for this alteration is inconclusive. Since supporting evidence is limited at this time, the clinical significance of this alteration remains unclear.